The following is an entry in ClinVar:

NM_020987.5(ANK3):c.11904_11921del (p.Thr3973_Thr3978del)

Gene: ANK3 (ankyrin 3; minus strand). Cytogenetic location: 10q21.2.
Variant type: Deletion.
Coding change: c.11904_11921del on transcript NM_020987.5 (MANE Select); coding-DNA positions 11904 to 11921, 18 bases deleted (CACCACCACTACCACCAC).
Protein change: p.Thr3973_Thr3978del.
Molecular consequence: inframe deletion. On other transcripts: intron variant (4).
Genome position (GRCh38, 1-based): chr10:60,068,960-60,068,977, GTGGTGGTAGTGGTGGTG deleted on the plus strand (CACCACCACTACCACCAC on the coding strand, the reverse complement: ANK3 is on the minus strand); deleting any 18 consecutive bases within chr10:60,068,960-60,068,984 gives the same sequence; the c. name uses the placement nearest the transcript's 3' end. VCF-style (leftmost placement, unchanged base first): chr10-60068959-AGTGGTGGTAGTGGTGGTG-A. GRCh37 (hg19) VCF-style: chr10-61828717-AGTGGTGGTAGTGGTGGTG-A.
Other names: c.4388-968_4388-951del (NM_001204403.2); c.4409-968_4409-951del (NM_001204404.2); c.4406-968_4406-951del (NM_001320874.2); c.1808-968_1808-951del (NM_001149.4).
Identifiers: ClinVar variation 2190960 (VCV002190960.1), dbSNP rs756227083, ClinGen allele CA5511006.

ClinVar aggregate classification (germline): Uncertain significance (1 of 4 stars; one submission).

Submission:

Labcorp Genetics (formerly Invitae), Labcorp
Classification: Uncertain significance. Last evaluated: 2022-07-18. Review status: criteria provided, single submitter. Criteria: Invitae Variant Classification Sherloc (09022015). Collection method: clinical testing. Allele origin: germline.
Comment: This variant, c.11904_11921del, results in the deletion of 6 amino acid(s) of the ANK3 protein (p.Thr3973_Thr3978del), but otherwise preserves the integrity of the reading frame. The frequency data for this variant in the population databases is considered unreliable, as metrics indicate poor data quality at this position in the gnomAD database. This variant has not been reported in the literature in individuals affected with ANK3-related conditions. Experimental studies and prediction algorithms are not available or were not evaluated, and the functional significance of this variant is currently unknown. In summary, the available evidence is currently insufficient to determine the role of this variant in disease. Therefore, it has been classified as a Variant of Uncertain Significance.